The following is an entry in ClinVar:

NM_003001.5(SDHC):c.386G>T (p.Trp129Leu)

Gene: SDHC (succinate dehydrogenase complex subunit C; plus strand). Cytogenetic location: 1q23.3.
Variant type: single nucleotide variant.
Coding change: c.386G>T on transcript NM_003001.5 (MANE Select); coding-DNA position 386, G replaced by T.
Protein change: p.Trp129Leu; replaces tryptophan 129 with leucine.
Molecular consequence: missense variant. On other transcripts: non-coding transcript variant (1), intron variant (3).
Genome position (GRCh38, 1-based): chr1:161,356,821, G>T. VCF-style: chr1-161356821-G-T. GRCh37 (hg19) VCF-style: chr1-161326611-G-T.
Other names: c.284G>T, p.Trp95Leu (NM_001035512.3); c.227G>T, p.Trp76Leu (NM_001035513.3); c.506G>T, p.Trp169Leu (NM_001407115.1); c.329G>T, p.Trp110Leu (NM_001407116.1); c.323G>T, p.Trp108Leu (NM_001407117.1); c.278G>T, p.Trp93Leu (NM_001407118.1); c.275G>T, p.Trp92Leu (NM_001407119.1, NM_001407120.1); c.242-5508G>T (NM_001035511.3); and 2 more; short protein forms W129L, W95L, W110L, W169L, W93L, W108L, W76L, W92L.
Identifiers: ClinVar variation 5029328 (VCV005029328.1).

ClinVar aggregate classification (germline): Uncertain significance (1 of 4 stars; one submission).

Conditions:
Hereditary cancer-predisposing syndrome. Also called: Neoplastic Syndromes, Hereditary; Tumor predisposition; Hereditary neoplastic syndrome; Hereditary Cancer Syndrome. Identifiers: Orphanet 140162, MedGen C0027672, MeSH D009386, MONDO:0015356.

Submission:

Ambry Genetics
Classification: Uncertain significance for Hereditary cancer-predisposing syndrome. Last evaluated: 2026-07-07. Review status: criteria provided, single submitter. Criteria: Ambry Variant Classification Scheme 2023. Collection method: clinical testing. Allele origin: germline.
Comment: The p.W129L variant (also known as c.386G>T), located in coding exon 5 of the SDHC gene, results from a G to T substitution at nucleotide position 386. The tryptophan at codon 129 is replaced by leucine, an amino acid with similar properties. This amino acid position is conserved. In addition, the in silico prediction for this alteration is inconclusive. Based on the available evidence, the clinical significance of this variant remains unclear.